The following is an entry in ClinVar:

NM_006231.4(POLE):c.2706+6T>A

Gene: POLE (DNA polymerase epsilon, catalytic subunit; minus strand). Cytogenetic location: 12q24.33.
Variant type: single nucleotide variant.
Coding change: c.2706+6T>A on transcript NM_006231.4 (MANE Select); 6 bases into the intron after coding-DNA position 2706, T replaced by A.
Molecular consequence: intron variant.
Genome position (GRCh38, 1-based): chr12:132,663,998, A>T on the plus strand (T>A on the coding strand, the complement: POLE is on the minus strand). VCF-style: chr12-132663998-A-T. GRCh37 (hg19) VCF-style: chr12-133240584-A-T.
Identifiers: ClinVar variation 839122 (VCV000839122.9), dbSNP rs2042734239, ClinGen allele CA916082361.

ClinVar aggregate classification (germline): Uncertain significance (1 of 4 stars; one submission).

Submission:

Labcorp Genetics (formerly Invitae), Labcorp
Classification: Uncertain significance. Last evaluated: 2019-01-05. Review status: criteria provided, single submitter. Criteria: Invitae Variant Classification Sherloc (09022015). Collection method: clinical testing. Allele origin: germline.
Comment: In summary, the available evidence is currently insufficient to determine the role of this variant in disease. Therefore, it has been classified as a Variant of Uncertain Significance. Nucleotide substitutions within the consensus splice site are a relatively common cause of aberrant splicing (PMID: 17576681, 9536098). Algorithms developed to predict the effect of sequence changes on RNA splicing suggest that this variant may disrupt the consensus splice site, but this prediction has not been confirmed by published transcriptional studies. This variant has not been reported in the literature in individuals with POLE-related conditions. This variant is not present in population databases (ExAC no frequency). This sequence change falls in intron 23 of the POLE gene. It does not directly change the encoded amino acid sequence of the POLE protein, but it affects a nucleotide within the consensus splice site of the intron.

Literature cited by the submitters: PubMed 17576681; PubMed 9536098.